The following is an entry in ClinVar:

ClinVar aggregate classification (germline): Uncertain significance (1 of 4 stars; one submission).

Conditions:
Aicardi-Goutieres syndrome 5. Identifiers: Orphanet 51, MedGen C2749659, MONDO:0013059, OMIM 612952.

gnomAD v4.1: 1 of 1,613,682 alleles (0.000062%); highest among the groups gnomAD compares: Non-Finnish European, 0.000085%; no homozygotes.

Submission:

Labcorp Genetics (formerly Invitae), Labcorp
Classification: Uncertain significance for Aicardi-Goutieres syndrome 5. Last evaluated: 2022-06-18. Review status: criteria provided, single submitter. Criteria: Invitae Variant Classification Sherloc (09022015). Collection method: clinical testing. Allele origin: germline.
Comment: This sequence change replaces serine, which is neutral and polar, with threonine, which is neutral and polar, at codon 482 of the SAMHD1 protein (p.Ser482Thr). This variant is not present in population databases (gnomAD no frequency). This variant has not been reported in the literature in individuals affected with SAMHD1-related conditions. Algorithms developed to predict the effect of missense changes on protein structure and function (SIFT, PolyPhen-2, Align-GVGD) all suggest that this variant is likely to be tolerated. In summary, the available evidence is currently insufficient to determine the role of this variant in disease. Therefore, it has been classified as a Variant of Uncertain Significance.

NM_015474.4(SAMHD1):c.1445G>C (p.Ser482Thr)

Gene: SAMHD1 (SAM and HD domain containing deoxynucleoside triphosphate triphosphohydrolase 1; minus strand). Cytogenetic location: 20q11.23.
Variant type: single nucleotide variant.
Coding change: c.1445G>C on transcript NM_015474.4 (MANE Select); coding-DNA position 1445, G replaced by C.
Protein change: p.Ser482Thr; replaces serine 482 with threonine.
Molecular consequence: missense variant.
Genome position (GRCh38, 1-based): chr20:36,904,215, C>G on the plus strand (G>C on the coding strand, the complement: SAMHD1 is on the minus strand). VCF-style: chr20-36904215-C-G. GRCh37 (hg19) VCF-style: chr20-35532618-C-G.
Other names: c.1445G>C, p.Ser482Thr (NM_001363729.2, NM_001363733.2); short protein forms S482T.
Identifiers: ClinVar variation 2168112 (VCV002168112.1), dbSNP rs373079404, ClinGen allele CA408841336.